The following is an entry in ClinVar:

ClinVar aggregate classification (germline): Uncertain significance. Review status: criteria provided, multiple submitters, no conflicts (2 of 4 stars). 2 submissions from 2 submitters: Uncertain significance (2). Last evaluated 2026-07-29.

Conditions:
AHDC1-related intellectual disability - obstructive sleep apnea - mild dysmorphism syndrome. Also called: Xia-Gibbs syndrome. Identifiers: Orphanet 412069, MedGen C4014419, MONDO:0014358, OMIM 615829.
Inborn genetic diseases. Identifiers: MedGen C0950123, MeSH D030342.

gnomAD v4.1: 8 of 1,563,884 alleles (0.00051%); highest among the groups gnomAD compares: African/African-American, 0.0014%; no homozygotes.

Submissions (2):

Ambry Genetics
Classification: Uncertain significance for Inborn genetic diseases. Last evaluated: 2026-07-29. Review status: criteria provided, single submitter. Criteria: Ambry Variant Classification Scheme 2023. Collection method: clinical testing. Allele origin: germline.
Comment: The c.3044C>T (p.A1015V) alteration is located in exon 6 (coding exon 1) of the AHDC1 gene. This alteration results from a C to T substitution at nucleotide position 3044, causing the alanine (A) at amino acid position 1015 to be replaced by a valine (V). Based on data from gnomAD, the T allele has an overall frequency of <0.001% (1/240574) total alleles studied. The highest observed frequency was 0.001% (1/111792) of European (non-Finnish) alleles. Based on insufficient or conflicting evidence, the clinical significance of this alteration remains unclear.

Department of Pathology and Laboratory Medicine, Sinai Health System
Classification: Uncertain significance for AHDC1-related intellectual disability - obstructive sleep apnea - mild dysmorphism syndrome. Last evaluated: 2021-10-12. Review status: criteria provided, single submitter. Criteria: ACMG Guidelines, 2015. Collection method: research. Allele origin: germline.

NM_001371928.1(AHDC1):c.3044C>T (p.Ala1015Val)

Gene: AHDC1 (AT-hook DNA binding motif containing 1; minus strand). Cytogenetic location: 1p36.11.
Variant type: single nucleotide variant.
Coding change: c.3044C>T on transcript NM_001371928.1 (MANE Select); coding-DNA position 3044, C replaced by T.
Protein change: p.Ala1015Val; replaces alanine 1015 with valine.
Molecular consequence: missense variant.
Genome position (GRCh38, 1-based): chr1:27,549,072, G>A on the plus strand (C>T on the coding strand, the complement: AHDC1 is on the minus strand). VCF-style: chr1-27549072-G-A. GRCh37 (hg19) VCF-style: chr1-27875583-G-A.
Other names: c.3044C>T, p.Ala1015Val (NM_001029882.3); c.3044C>T (NM_001029882.2); short protein forms A1015V.
Identifiers: ClinVar variation 3779343 (VCV003779343.2).